The following is an entry in ClinVar:

ClinVar aggregate classification (germline): Likely benign. Review status: criteria provided, multiple submitters, no conflicts (2 of 4 stars). 5 submissions from 5 submitters: Likely benign (4). 1 of the submissions does not count toward it. Last evaluated 2026-01-11.

Conditions:
FANCA-related disorder. Also called: FANCA-related condition.
Fanconi anemia (FA). Also called: Fanconi's anemia. Identifiers: Orphanet 84, MedGen C0015625, MeSH D005199, MONDO:0019391.

Allele frequency attached by ClinVar (database versions not stated): gnomAD 0.00002 and 0.00003; TOPMed 0.00002; ExAC 0.00021.
gnomAD v4.1: 53 of 1,601,818 alleles (0.0033%); highest among the groups gnomAD compares: African/African-American, 0.0013%; no homozygotes.

Submissions (5):

Labcorp Genetics (formerly Invitae), Labcorp
Classification: Likely benign for Fanconi anemia. Last evaluated: 2026-01-11. Review status: criteria provided, single submitter. Criteria: Invitae Variant Classification Sherloc (09022015). Collection method: clinical testing. Allele origin: germline.

Quest Diagnostics Nichols Institute San Juan Capistrano
Classification: Likely benign. Last evaluated: 2025-01-20. Review status: criteria provided, single submitter. Criteria: Quest Diagnostics criteria. Collection method: clinical testing. Allele origin: unknown.

Blueprint Genetics
Classification: Likely benign. Last evaluated: 2024-01-09. Review status: criteria provided, single submitter. Criteria: ACMG Guidelines, 2015. Collection method: clinical testing. Allele origin: germline.

Sema4
Classification: Likely benign for Fanconi anemia. Last evaluated: 2020-11-09. Review status: criteria provided, single submitter. Criteria: Sema4 Curation Guidelines. Collection method: curation. Allele origin: germline.

PreventionGenetics, part of Exact Sciences
Classification: Likely benign for FANCA-related condition. Last evaluated: 2023-09-27. Review status: no assertion criteria provided. Collection method: clinical testing. Allele origin: germline. Not counted in ClinVar's aggregate classification.
Comment: This variant is classified as likely benign based on ACMG/AMP sequence variant interpretation guidelines (Richards et al. 2015 PMID: 25741868, with internal and published modifications).

NM_000135.4(FANCA):c.2222+9G>C

Gene: FANCA (FA complementation group A; minus strand). Cytogenetic location: 16q24.3.
Variant type: single nucleotide variant.
Coding change: c.2222+9G>C on transcript NM_000135.4 (MANE Select); 9 bases into the intron after coding-DNA position 2222, G replaced by C.
Molecular consequence: intron variant.
Genome position (GRCh38, 1-based): chr16:89,770,555, C>G on the plus strand (G>C on the coding strand, the complement: FANCA is on the minus strand). VCF-style: chr16-89770555-C-G. GRCh37 (hg19) VCF-style: chr16-89836963-C-G.
Other names: c.2222+9G>C (LRG_495t1, NM_001286167.3, NM_000135.3).
Identifiers: ClinVar variation 526500 (VCV000526500.16), dbSNP rs774316742, ClinGen allele CA8251838.
Genomic context (GRCh38, chr16:89,770,555, plus strand): 5'-CAGACTTGGCCCAGCAAGAGGTGGCACCCAGAGGAGCCCCACCACTCAGGGAGCTGCCCG[C>G]GCCTTCACCTCTCCGGGGGAGCGACACTGGAGGCAGCCATCAGGTTCTGACAGAAAGACG-3'